The following is an entry in ClinVar:

NM_001184880.2(PCDH19):c.167G>A (p.Arg56Gln)

Gene: PCDH19 (protocadherin 19; minus strand). Cytogenetic location: Xq22.1.
Variant type: single nucleotide variant.
Coding change: c.167G>A on transcript NM_001184880.2 (MANE Select); coding-DNA position 167, G replaced by A.
Protein change: p.Arg56Gln; replaces arginine 56 with glutamine.
Molecular consequence: missense variant.
Genome position (GRCh38, 1-based): chrX:100,408,431, C>T on the plus strand (G>A on the coding strand, the complement: PCDH19 is on the minus strand). VCF-style: chrX-100408431-C-T. GRCh37 (hg19) VCF-style: chrX-99663429-C-T.
Other names: c.167G>A, p.Arg56Gln (NM_001105243.2, NM_020766.3); short protein forms R56Q.
Identifiers: ClinVar variation 1444382 (VCV001444382.6), dbSNP rs1928475827, ClinGen allele CA414011236.

ClinVar aggregate classification (germline): Uncertain significance (1 of 4 stars; one submission).

Conditions:
Developmental and epileptic encephalopathy, 9 (DEE9). Also called: PCDH19-Related X-Linked Female-Limited Epilepsy with Mental Retardation; Early infantile epileptic encephalopathy 9; JUBERG-HELLMAN SYNDROME; EPILEPSY, FEMALE-RESTRICTED, WITH MENTAL RETARDATION. Identifiers: Orphanet 101039, Orphanet 2076, MedGen C1848137, MONDO:0010246, OMIM 300088. Disease mechanism: loss of function.

Allele frequency attached by ClinVar (database versions not stated): TOPMed 0.00001.

Submission:

Labcorp Genetics (formerly Invitae), Labcorp
Classification: Uncertain significance for Developmental and epileptic encephalopathy, 9. Last evaluated: 2021-11-08. Review status: criteria provided, single submitter. Criteria: Invitae Variant Classification Sherloc (09022015). Collection method: clinical testing. Allele origin: germline.
Comment: Advanced modeling of protein sequence and biophysical properties (such as structural, functional, and spatial information, amino acid conservation, physicochemical variation, residue mobility, and thermodynamic stability) performed at Invitae indicates that this missense variant is not expected to disrupt PCDH19 protein function. This variant has not been reported in the literature in individuals affected with PCDH19-related conditions. This variant is not present in population databases (gnomAD no frequency). This sequence change replaces arginine, which is basic and polar, with glutamine, which is neutral and polar, at codon 56 of the PCDH19 protein (p.Arg56Gln). Algorithms developed to predict the effect of sequence changes on RNA splicing suggest that this variant may create or strengthen a splice site. In summary, the available evidence is currently insufficient to determine the role of this variant in disease. Therefore, it has been classified as a Variant of Uncertain Significance.